The following is an entry in ClinVar:

NM_001164508.2(NEB):c.12748-22A>G

Gene: NEB (nebulin; minus strand). Cytogenetic location: 2q23.3.
Variant type: single nucleotide variant.
Coding change: c.12748-22A>G on transcript NM_001164508.2 (MANE Select); 22 bases into the intron before coding-DNA position 12748, A replaced by G.
Molecular consequence: intron variant.
Genome position (GRCh38, 1-based): chr2:151,604,893, T>C on the plus strand (A>G on the coding strand, the complement: NEB is on the minus strand). VCF-style: chr2-151604893-T-C. GRCh37 (hg19) VCF-style: chr2-152461407-T-C.
Other names: NM_001164508.2:c.12748-22A>G; c.11601+4916A>G (NM_004543.5); c.12748-22A>G (NM_001164507.2, NM_001271208.2).
Identifiers: ClinVar variation 4819576 (VCV004819576.1).
Genomic context (GRCh38, chr2:151,604,893, plus strand): 5'-GTGGCCCAGTTGCTTACGGTAACCTTCTTTGTATTTGTACTAAAGTAGTAAGAAATCATA[T>C]TAAAAAGACATATGAAAATAATGTATTAAGAGGGGTTTTCTAATTTAAATGGTTTCAGTA-3'

ClinVar aggregate classification (germline): Uncertain significance (1 of 4 stars; one submission).

Conditions:
Nemaline myopathy 2 (NEM2). Also called: Nemaline myopathy 2, autosomal recessive. Identifiers: MedGen C1850569, MONDO:0009725, OMIM 256030.

Submission:

Broad Center for Mendelian Genomics, Broad Institute of MIT and Harvard
Classification: Uncertain significance for Nemaline myopathy 2. Last evaluated: 2026-03-05. Review status: criteria provided, single submitter. Criteria: ACMG Guidelines, 2015. Collection method: research. Allele origin: germline. Inheritance: Autosomal recessive inheritance. Study: GREGoR Consortium.
Comment: The c.12748-22A>G variant in NEB has not been previously reported in individuals with nemaline myopathy 2, and was absent from large population studies. The variant was identified by trio whole genome sequencing in two siblings with congenital myopathy and restrictive lung disease who harbored a second variant of uncertain significance in NEB, but phase of these variants could not be confirmed (Broad Institute Rare Genomes Project). Computational prediction tools and conservation analyses suggest that this variant may impact the protein, though this information is not predictive enough to determine pathogenicity. In summary, the clinical significance of this variant is uncertain. ACMG/AMP Criteria applied: PP3, PM2_supporting.